The following is an entry in ClinVar:

ClinVar aggregate classification (germline): Uncertain significance (1 of 4 stars; one submission).

Submission:

Labcorp Genetics (formerly Invitae), Labcorp
Classification: Uncertain significance. Last evaluated: 2025-12-29. Review status: criteria provided, single submitter. Criteria: Invitae Variant Classification Sherloc (09022015). Collection method: clinical testing. Allele origin: germline.
Comment: This sequence change replaces valine, which is neutral and non-polar, with aspartic acid, which is acidic and polar, at codon 166 of the TNNI3K protein (p.Val166Asp). This variant is not present in population databases (gnomAD no frequency). This variant has not been reported in the literature in individuals affected with TNNI3K-related conditions. Invitae Evidence Modeling of protein sequence and biophysical properties (such as structural, functional, and spatial information, amino acid conservation, physicochemical variation, residue mobility, and thermodynamic stability) indicates that this missense variant is not expected to disrupt TNNI3K protein function with a negative predictive value of 80%. In summary, the available evidence is currently insufficient to determine the role of this variant in disease. Therefore, it has been classified as a Variant of Uncertain Significance.

NM_015978.3(TNNI3K):c.497T>A (p.Val166Asp)

Genes: FPGT-TNNI3K (FPGT-TNNI3K readthrough; plus strand), TNNI3K (TNNI3 interacting kinase; plus strand). Cytogenetic location: 1p31.1.
Variant type: single nucleotide variant.
Coding change: c.497T>A on transcript NM_015978.3 (MANE Select); coding-DNA position 497, T replaced by A.
Protein change: p.Val166Asp; replaces valine 166 with aspartic acid.
Molecular consequence: missense variant.
Genome position (GRCh38, 1-based): chr1:74,331,502, T>A. VCF-style: chr1-74331502-T-A. GRCh37 (hg19) VCF-style: chr1-74797186-T-A.
Other names: c.800T>A, p.Val267Asp (NM_001112808.3, NM_001199327.2); short protein forms V166D, V267D.
Identifiers: ClinVar variation 4745940 (VCV004745940.1).